The following is an entry in ClinVar:

ClinVar aggregate classification (germline): Uncertain significance (1 of 4 stars; one submission).

Allele frequency attached by ClinVar (database versions not stated): gnomAD exomes 0.00001 and 0.00004.
gnomAD v4.1: 15 of 1,532,712 alleles (0.00098%); highest among the groups gnomAD compares: Admixed American, 0.027%; 1 homozygote.

Submission:

Laboratorio de Genetica e Diagnostico Molecular, Hospital Israelita Albert Einstein
Classification: Uncertain significance. Last evaluated: 2019-10-07. Review status: criteria provided, single submitter. Criteria: ACMG Guidelines, 2015. Collection method: clinical testing. Allele origin: germline. Affected: yes.
Comment: ACMG classification criteria: PM2, PP3

NM_173849.3(GSC):c.100G>A (p.Val34Ile)

Gene: GSC (goosecoid homeobox; minus strand). Cytogenetic location: 14q32.13.
Variant type: single nucleotide variant.
Coding change: c.100G>A on transcript NM_173849.3 (MANE Select); coding-DNA position 100, G replaced by A.
Protein change: p.Val34Ile; replaces valine 34 with isoleucine.
Molecular consequence: missense variant.
Genome position (GRCh38, 1-based): chr14:94,769,916, C>T on the plus strand (G>A on the coding strand, the complement: GSC is on the minus strand). VCF-style: chr14-94769916-C-T. GRCh37 (hg19) VCF-style: chr14-95236253-C-T.
Other names: short protein forms V34I.
Identifiers: ClinVar variation 1690695 (VCV001690695.2), dbSNP rs1348239887, ClinGen allele CA391149192.